The following is an entry in ClinVar:

NM_006348.5(COG5):c.50G>T (p.Gly17Val)

Gene: COG5 (component of oligomeric golgi complex 5; minus strand). Cytogenetic location: 7q22.3.
Variant type: single nucleotide variant.
Coding change: c.50G>T on transcript NM_006348.5 (MANE Select); coding-DNA position 50, G replaced by T.
Protein change: p.Gly17Val; replaces glycine 17 with valine.
Molecular consequence: missense variant.
Genome position (GRCh38, 1-based): chr7:107,563,847, C>A on the plus strand (G>T on the coding strand, the complement: COG5 is on the minus strand). VCF-style: chr7-107563847-C-A. GRCh37 (hg19) VCF-style: chr7-107204292-C-A.
Other names: c.50G>T, p.Gly17Val (NM_001161520.2, NM_001379511.1, NM_001379512.1 and 5 more transcripts); short protein forms G48V, G17V.
Identifiers: ClinVar variation 538844 (VCV000538844.23), dbSNP rs139763861, ClinGen allele CA4431570.

ClinVar aggregate classification (germline): Conflicting classifications of pathogenicity. Review status: criteria provided, conflicting classifications (1 of 4 stars). 5 submissions from 5 submitters: Uncertain significance (2); Likely benign (2). 1 of the submissions does not count toward it. Last evaluated 2026-01-19.

Conditions:
COG5-congenital disorder of glycosylation. Also called: CDG IIi; COG5-CDG; CONGENITAL DISORDER OF GLYCOSYLATION, TYPE IIi. Identifiers: Orphanet 263487, MedGen C3150876, MONDO:0013325, OMIM 613612.
COG5-related disorder. Also called: COG5-related condition.
Inborn genetic diseases. Identifiers: MedGen C0950123, MeSH D030342.

Allele frequency attached by ClinVar (database versions not stated): ESP Exome Variant Server 0.00147; gnomAD 0.00164 and 0.00172; TOPMed 0.00201; 1000 Genomes Project 0.00240; 1000 Genomes Project 30x 0.00312.
gnomAD v4.1: 491 of 1,613,786 alleles (0.03%); highest among the groups gnomAD compares: African/African-American, 0.56%; 2 homozygotes.

Submissions (5):

Labcorp Genetics (formerly Invitae), Labcorp
Classification: Likely benign for COG5-congenital disorder of glycosylation. Last evaluated: 2026-01-19. Review status: criteria provided, single submitter. Criteria: Invitae Variant Classification Sherloc (09022015). Collection method: clinical testing. Allele origin: germline.

Blueprint Genetics
Classification: Uncertain significance. Last evaluated: 2023-12-07. Review status: criteria provided, single submitter. Criteria: ACMG Guidelines, 2015. Collection method: clinical testing. Allele origin: germline.

Ambry Genetics
Classification: Likely benign for Inborn genetic diseases. Last evaluated: 2022-10-03. Review status: criteria provided, single submitter. Criteria: Ambry Variant Classification Scheme 2023. Collection method: clinical testing. Allele origin: germline.

Illumina Laboratory Services, Illumina
Classification: Uncertain significance for COG5-congenital disorder of glycosylation. Last evaluated: 2018-01-12. Review status: criteria provided, single submitter. Criteria: ICSL Variant Classification Criteria 13 December 2019. Collection method: clinical testing. Allele origin: germline.

PreventionGenetics, part of Exact Sciences
Classification: Likely benign for COG5-related condition. Last evaluated: 2019-10-14. Review status: no assertion criteria provided. Collection method: clinical testing. Allele origin: germline. Not counted in ClinVar's aggregate classification.
Comment: This variant is classified as likely benign based on ACMG/AMP sequence variant interpretation guidelines (Richards et al. 2015 PMID: 25741868, with internal and published modifications).